The following is an entry in ClinVar:

ClinVar aggregate classification (germline): Likely benign (1 of 4 stars; one submission).

Conditions:
SLC2A1-related disorder. Also called: SLC2A1-related disorders; SLC2A1-related condition.

gnomAD v4.1: 3 of 1,262,542 alleles (0.00024%); highest among the groups gnomAD compares: Non-Finnish European, 0.00033%; no homozygotes.

Submission:

PreventionGenetics, part of Exact Sciences
Classification: Likely benign for SLC2A1-related condition. Last evaluated: 2025-07-31. Review status: criteria provided, single submitter. Criteria: ACMG Guidelines, 2015. Collection method: clinical testing. Allele origin: germline.
Comment: This variant is classified as likely benign based on ACMG/AMP sequence variant interpretation guidelines (Richards et al. 2015 PMID: 25741868, with internal and published modifications).

NM_006516.4(SLC2A1):c.-99C>T

Gene: SLC2A1 (solute carrier family 2 member 1; minus strand). Cytogenetic location: 1p34.2.
Variant type: single nucleotide variant.
Coding change: c.-99C>T on transcript NM_006516.4 (MANE Select); 99 bases upstream of the start codon, C replaced by T.
Molecular consequence: 5 prime UTR variant.
Genome position (GRCh38, 1-based): chr1:42,958,750, G>A on the plus strand (C>T on the coding strand, the complement: SLC2A1 is on the minus strand). VCF-style: chr1-42958750-G-A. GRCh37 (hg19) VCF-style: chr1-43424421-G-A.
Identifiers: ClinVar variation 4984724 (VCV004984724.1).
Genomic context (GRCh38, chr1:42,958,750, plus strand): 5'-GCGGGTGGCGACGGGCGTGCGAGCGGCGCTCTCCCGCTCAGGCTCGTGCTCCGGTCCGGG[G>A]ACTCCCACTGCGACTCTGACTCCGACCCCCGTCGTTTGGTCTCCTGCTCCCTGGCGTGCT-3'